The following is an entry in ClinVar:

ClinVar aggregate classification (germline): Uncertain significance (1 of 4 stars; one submission).

Conditions:
Benign neonatal seizures. Also called: Benign familial neonatal epilepsy; Benign familial neonatal seizures; Convulsions benign familial neonatal dominant form; Autosomal dominant form of benign neonatal seizures; Benign neonatal familial convulsions. Identifiers: Orphanet 1949, MedGen C0220669, MONDO:0016027.

Submission:

Labcorp Genetics (formerly Invitae), Labcorp
Classification: Uncertain significance for Benign neonatal seizures. Last evaluated: 2023-07-30. Review status: criteria provided, single submitter. Criteria: Invitae Variant Classification Sherloc (09022015). Collection method: clinical testing. Allele origin: germline.
Comment: In summary, the available evidence is currently insufficient to determine the role of this variant in disease. Therefore, it has been classified as a Variant of Uncertain Significance. Advanced modeling of protein sequence and biophysical properties (such as structural, functional, and spatial information, amino acid conservation, physicochemical variation, residue mobility, and thermodynamic stability) has been performed at Invitae for this missense variant, however the output from this modeling did not meet the statistical confidence thresholds required to predict the impact of this variant on KCNQ3 protein function. This variant has not been reported in the literature in individuals affected with KCNQ3-related conditions. This variant is not present in population databases (gnomAD no frequency). This sequence change replaces glycine, which is neutral and non-polar, with tryptophan, which is neutral and slightly polar, at codon 24 of the KCNQ3 protein (p.Gly24Trp).

NM_004519.4(KCNQ3):c.70G>T (p.Gly24Trp)

Gene: KCNQ3 (potassium voltage-gated channel subfamily Q member 3; minus strand). Cytogenetic location: 8q24.22.
Variant type: single nucleotide variant.
Coding change: c.70G>T on transcript NM_004519.4 (MANE Select); coding-DNA position 70, G replaced by T.
Protein change: p.Gly24Trp; replaces glycine 24 with tryptophan.
Molecular consequence: missense variant.
Genome position (GRCh38, 1-based): chr8:132,480,463, C>A on the plus strand (G>T on the coding strand, the complement: KCNQ3 is on the minus strand). VCF-style: chr8-132480463-C-A. GRCh37 (hg19) VCF-style: chr8-133492710-C-A.
Other names: short protein forms G24W.
Identifiers: ClinVar variation 2797020 (VCV002797020.3), dbSNP rs1822526218, ClinGen allele CA372292954.